The following is an entry in ClinVar:

ClinVar aggregate classification (germline): Uncertain significance (1 of 4 stars; one submission).

Conditions:
Hereditary cancer-predisposing syndrome. Also called: Tumor predisposition; Hereditary Cancer Syndrome; Neoplastic Syndromes, Hereditary; Hereditary neoplastic syndrome. Identifiers: Orphanet 140162, MedGen C0027672, MeSH D009386, MONDO:0015356.

Submission:

Ambry Genetics
Classification: Uncertain significance for Hereditary cancer-predisposing syndrome. Last evaluated: 2026-01-13. Review status: criteria provided, single submitter. Criteria: Ambry Variant Classification Scheme 2023. Collection method: clinical testing. Allele origin: germline.
Comment: The p.R346S variant (also known as c.1038G>T), located in coding exon 11 of the POLE gene, results from a G to T substitution at nucleotide position 1038. The arginine at codon 346 is replaced by serine, an amino acid with dissimilar properties. This amino acid position is highly conserved in available vertebrate species. In addition, the in silico prediction for this alteration is inconclusive. Based on the available evidence, the clinical significance of this variant remains unclear.

NM_006231.4(POLE):c.1038G>T (p.Arg346Ser)

Gene: POLE (DNA polymerase epsilon, catalytic subunit; minus strand). Cytogenetic location: 12q24.33.
Variant type: single nucleotide variant.
Coding change: c.1038G>T on transcript NM_006231.4 (MANE Select); coding-DNA position 1038, G replaced by T.
Protein change: p.Arg346Ser; replaces arginine 346 with serine.
Molecular consequence: missense variant.
Genome position (GRCh38, 1-based): chr12:132,675,803, C>A on the plus strand (G>T on the coding strand, the complement: POLE is on the minus strand). VCF-style: chr12-132675803-C-A. GRCh37 (hg19) VCF-style: chr12-133252389-C-A.
Other names: short protein forms R346S.
Identifiers: ClinVar variation 486128 (VCV000486128.6), dbSNP rs1193021447, ClinGen allele CA387361790.